The following is an entry in ClinVar:

ClinVar aggregate classification (germline): Uncertain significance (1 of 4 stars; one submission).

Conditions:
Infantile spasms. Also called: Infantile spasm. Identifiers: MedGen C3887898, HP:0012469.

Allele frequency attached by ClinVar (database versions not stated): TOPMed 0.00001.
gnomAD v4.1: 2 of 1,612,316 alleles (0.00012%); highest among the groups gnomAD compares: African/African-American, 0.0027%; no homozygotes.

Submission:

Labcorp Genetics (formerly Invitae), Labcorp
Classification: Uncertain significance for Infantile spasms. Last evaluated: 2019-02-05. Review status: criteria provided, single submitter. Criteria: Invitae Variant Classification Sherloc (09022015). Collection method: clinical testing. Allele origin: germline.
Comment: This variant has not been reported in the literature in individuals with PIK3AP1-related conditions. In summary, the available evidence is currently insufficient to determine the role of this variant in disease. Therefore, it has been classified as a Variant of Uncertain Significance. Algorithms developed to predict the effect of missense changes on protein structure and function (SIFT, PolyPhen-2, Align-GVGD) all suggest that this variant is likely to be tolerated, but these predictions have not been confirmed by published functional studies and their clinical significance is uncertain. This variant is not present in population databases (ExAC no frequency). This sequence change replaces alanine with proline at codon 415 of the PIK3AP1 protein (p.Ala415Pro). The alanine residue is moderately conserved and there is a small physicochemical difference between alanine and proline.

NM_152309.3(PIK3AP1):c.1243G>C (p.Ala415Pro)

Gene: PIK3AP1 (phosphoinositide-3-kinase adaptor protein 1; minus strand). Cytogenetic location: 10q24.1.
Variant type: single nucleotide variant.
Coding change: c.1243G>C on transcript NM_152309.3 (MANE Select); coding-DNA position 1243, G replaced by C.
Protein change: p.Ala415Pro; replaces alanine 415 with proline.
Molecular consequence: missense variant.
Genome position (GRCh38, 1-based): chr10:96,645,605, C>G on the plus strand (G>C on the coding strand, the complement: PIK3AP1 is on the minus strand). VCF-style: chr10-96645605-C-G. GRCh37 (hg19) VCF-style: chr10-98405362-C-G.
Other names: short protein forms A415P.
Identifiers: ClinVar variation 846635 (VCV000846635.9), dbSNP rs191740470, ClinGen allele CA377744429.